The following is an entry in ClinVar:

NM_000283.4(PDE6B):c.1278C>T (p.Gly426=)

Gene: PDE6B (phosphodiesterase 6B; plus strand). Cytogenetic location: 4p16.3.
Variant type: single nucleotide variant.
Coding change: c.1278C>T on transcript NM_000283.4 (MANE Select); coding-DNA position 1278, C replaced by T.
Protein change: p.Gly426=; no amino-acid change (glycine 426 retained).
Molecular consequence: synonymous variant.
Genome position (GRCh38, 1-based): chr4:657,371, C>T. VCF-style: chr4-657371-C-T. GRCh37 (hg19) VCF-style: chr4-651160-C-T.
Other names: c.1278C>T, p.Gly426= (NM_001145291.2); c.441C>T, p.Gly147= (NM_001145292.2, NM_001350154.3, NM_001379246.1 and 1 more transcripts); c.123C>T, p.Gly41= (NM_001350155.3).
Identifiers: ClinVar variation 1046593 (VCV001046593.8), dbSNP rs749366624, ClinGen allele CA2794437.

ClinVar aggregate classification (germline): Uncertain significance (1 of 4 stars; one submission).

Allele frequency attached by ClinVar (database versions not stated): TOPMed below 0.00001; ExAC 0.00004.
gnomAD v4.1: 12 of 1,613,018 alleles (0.00074%); highest among the groups gnomAD compares: Non-Finnish European, 0.00051%; no homozygotes.

Submission:

Labcorp Genetics (formerly Invitae), Labcorp
Classification: Uncertain significance. Last evaluated: 2022-11-08. Review status: criteria provided, single submitter. Criteria: Invitae Variant Classification Sherloc (09022015). Collection method: clinical testing. Allele origin: germline.
Comment: Algorithms developed to predict the effect of sequence changes on RNA splicing suggest that this variant may create or strengthen a splice site. In summary, the available evidence is currently insufficient to determine the role of this variant in disease. Therefore, it has been classified as a Variant of Uncertain Significance. ClinVar contains an entry for this variant (Variation ID: 1046593). This sequence change affects codon 426 of the PDE6B mRNA. It is a 'silent' change, meaning that it does not change the encoded amino acid sequence of the PDE6B protein. This variant is present in population databases (rs749366624, gnomAD 0.009%). This variant has not been reported in the literature in individuals affected with PDE6B-related conditions.